The following is an entry in ClinVar:

NM_000081.4(LYST):c.1328A>G (p.Asn443Ser)

Gene: LYST (lysosomal trafficking regulator; minus strand). Cytogenetic location: 1q42.3.
Variant type: single nucleotide variant.
Coding change: c.1328A>G on transcript NM_000081.4 (MANE Select); coding-DNA position 1328, A replaced by G.
Protein change: p.Asn443Ser; replaces asparagine 443 with serine.
Molecular consequence: missense variant.
Genome position (GRCh38, 1-based): chr1:235,809,490, T>C on the plus strand (A>G on the coding strand, the complement: LYST is on the minus strand). VCF-style: chr1-235809490-T-C. GRCh37 (hg19) VCF-style: chr1-235972790-T-C.
Other names: c.1328A>G, p.Asn443Ser (NM_001301365.1); short protein forms N443S.
Identifiers: ClinVar variation 661603 (VCV000661603.8), dbSNP rs2527116988, ClinGen allele CA344962651.
Genomic context (GRCh38, chr1:235,809,490, plus strand): 5'-GGAGGAACTCCATCTCTTAAAACCAGCCATTCCATTTGAAGAACTGCTGTTTCAAATAAA[T>C]TAAATCCATGATGCTGAATGAATTCTTGAACCAAATCCATGGCTTGACTGAAGTAGAAGG-3'
Protein context (NP_000072.2, residues 433-453): VQEFIQHHGF[Asn443Ser]LFETAVLQME

ClinVar aggregate classification (germline): Uncertain significance (1 of 4 stars; one submission).

Conditions:
Chédiak-Higashi syndrome (CHS). Also called: Chediak-Higashi Syndrome. Identifiers: Orphanet 167, MedGen C0007965, MONDO:0008963, OMIM 214500.

Submission:

Labcorp Genetics (formerly Invitae), Labcorp
Classification: Uncertain significance for Chédiak-Higashi syndrome. Last evaluated: 2018-12-26. Review status: criteria provided, single submitter. Criteria: Invitae Variant Classification Sherloc (09022015). Collection method: clinical testing. Allele origin: germline.
Comment: This variant is not present in population databases (ExAC no frequency). This sequence change replaces asparagine with serine at codon 443 of the LYST protein (p.Asn443Ser). The asparagine residue is weakly conserved and there is a small physicochemical difference between asparagine and serine. This variant has not been reported in the literature in individuals with LYST-related conditions. Algorithms developed to predict the effect of missense changes on protein structure and function output the following: SIFT: "Tolerated"; PolyPhen-2: "Benign"; Align-GVGD: "Class C0". The serine amino acid residue is found in multiple mammalian species, suggesting that this missense change does not adversely affect protein function. These predictions have not been confirmed by published functional studies and their clinical significance is uncertain. Algorithms developed to predict the effect of sequence changes on RNA splicing suggest that this variant may create or strengthen a splice site, but this prediction has not been confirmed by published transcriptional studies. In summary, the available evidence is currently insufficient to determine the role of this variant in disease. Therefore, it has been classified as a Variant of Uncertain Significance.